The following is an entry in ClinVar:

ClinVar aggregate classification (germline): Likely benign. Review status: criteria provided, multiple submitters, no conflicts (2 of 4 stars). 2 submissions from 2 submitters: Likely benign (2). Last evaluated 2026-05-22.

Conditions:
Polycystic kidney disease, adult type (PKD1). Also called: Polycystic Kidney Disease 1, Autosomal Dominant; Polycystic kidney disease 1; Polycystic kidney disease 1, severe; POLYCYSTIC KIDNEY DISEASE, ADULT, TYPE I; Polycystic Kidney, Autosomal Dominant; POLYCYSTIC KIDNEY DISEASE 1 WITH OR WITHOUT POLYCYSTIC LIVER DISEASE. Identifiers: MedGen C3149841, MONDO:0008263, OMIM 173900.
PKD1-related disorder. Also called: PKD1-related condition.

gnomAD v4.1: 68 of 1,611,776 alleles (0.0042%); highest among the groups gnomAD compares: South Asian, 0.045%; no homozygotes.

Submissions (2):

PreventionGenetics, part of Exact Sciences
Classification: Likely benign for PKD1-related condition. Last evaluated: 2026-05-22. Review status: criteria provided, single submitter. Criteria: ACMG Guidelines, 2015. Collection method: clinical testing. Allele origin: germline.
Comment: This variant is classified as likely benign based on ACMG/AMP sequence variant interpretation guidelines (Richards et al. 2015 PMID: 25741868, with internal and published modifications).

Department of Pathology and Laboratory Medicine, Sinai Health System
Classification: Likely benign for Polycystic kidney disease, adult type. Last evaluated: 2022-02-08. Review status: criteria provided, single submitter. Criteria: ACMG Guidelines, 2015. Collection method: clinical testing. Allele origin: germline.

NM_001009944.3(PKD1):c.4653C>T (p.Leu1551=)

Gene: PKD1 (polycystin 1, transient receptor potential channel interacting; minus strand). Cytogenetic location: 16p13.3.
Variant type: single nucleotide variant.
Coding change: c.4653C>T on transcript NM_001009944.3 (MANE Select); coding-DNA position 4653, C replaced by T.
Protein change: p.Leu1551=; no amino-acid change (leucine 1551 retained).
Molecular consequence: synonymous variant.
Genome position (GRCh38, 1-based): chr16:2,110,514, G>A on the plus strand (C>T on the coding strand, the complement: PKD1 is on the minus strand). VCF-style: chr16-2110514-G-A. GRCh37 (hg19) VCF-style: chr16-2160515-G-A.
Other names: c.4653C>T, p.Leu1551= (NM_000296.4).
Identifiers: ClinVar variation 3892016 (VCV003892016.2).
Genomic context (GRCh38, chr16:2,110,514, plus strand): 5'-CGACGTGCTGAAGCTCACGCTCCCATTCAGGGGCACCACCGTGCGGCTTGCATTGACGAC[G>A]AGCCCCCGCACGCGCCGCTTCACCGTCACATTGAGCCAGGCCTCGCTGCGGCTCACCTCA-3'
Protein context (NP_001009944.3, residues 1541-1561): NVTVKRRVRG[Leu1551=]VVNASRTVVP